The following is an entry in ClinVar:

NM_005245.4(FAT1):c.10424C>G (p.Pro3475Arg)

Gene: FAT1 (FAT atypical cadherin 1; minus strand). Cytogenetic location: 4q35.2.
Variant type: single nucleotide variant.
Coding change: c.10424C>G on transcript NM_005245.4 (MANE Select); coding-DNA position 10424, C replaced by G.
Protein change: p.Pro3475Arg; replaces proline 3475 with arginine.
Molecular consequence: missense variant.
Genome position (GRCh38, 1-based): chr4:186,604,501, G>C on the plus strand (C>G on the coding strand, the complement: FAT1 is on the minus strand). VCF-style: chr4-186604501-G-C. GRCh37 (hg19) VCF-style: chr4-187525655-G-C.
Other names: short protein forms P3475R.
Identifiers: ClinVar variation 1708778 (VCV001708778.32), dbSNP rs200717236, ClinGen allele CA3165362.

ClinVar aggregate classification (germline): Conflicting classifications of pathogenicity. Review status: criteria provided, conflicting classifications (1 of 4 stars). 4 submissions from 4 submitters: Uncertain significance (1); Likely benign (2). 1 of the submissions does not count toward it. Last evaluated 2025-11-19.

Conditions:
FAT1-related disorder. Also called: FAT1-related condition.

Allele frequency attached by ClinVar (database versions not stated): TOPMed 0.00008; ESP Exome Variant Server 0.00017; 1000 Genomes Project 30x 0.00047; 1000 Genomes Project 0.00060.
gnomAD v4.1: 547 of 1,613,776 alleles (0.034%); highest among the groups gnomAD compares: South Asian, 0.56%; 6 homozygotes.

Submissions (4):

Labcorp Genetics (formerly Invitae), Labcorp
Classification: Likely benign. Last evaluated: 2025-11-19. Review status: criteria provided, single submitter. Criteria: Invitae Variant Classification Sherloc (09022015). Collection method: clinical testing. Allele origin: germline.

CeGaT Center for Human Genetics Tuebingen
Classification: Likely benign. Last evaluated: 2023-01-01. Review status: criteria provided, single submitter. Criteria: CeGaT Center For Human Genetics Tuebingen Variant Classification Criteria Version 2. Collection method: clinical testing. Allele origin: germline. Affected: yes. Observed: 1 variant allele.
Comment: FAT1: BS2

GeneDx
Classification: Uncertain significance. Last evaluated: 2022-04-05. Review status: criteria provided, single submitter. Criteria: GeneDx Variant Classification Process June 2021. Collection method: clinical testing. Allele origin: germline. Affected: yes.
Comment: In silico analysis supports that this missense variant has a deleterious effect on protein structure/function; Has not been previously published as pathogenic or benign to our knowledge

PreventionGenetics, part of Exact Sciences
Classification: Likely benign for FAT1-related condition. Last evaluated: 2022-12-20. Review status: no assertion criteria provided. Collection method: clinical testing. Allele origin: germline. Not counted in ClinVar's aggregate classification.
Comment: This variant is classified as likely benign based on ACMG/AMP sequence variant interpretation guidelines (Richards et al. 2015 PMID: 25741868, with internal and published modifications).